The following is an entry in ClinVar:

ClinVar aggregate classification (germline): Pathogenic (1 of 4 stars; one submission).

Conditions:
Propionic acidemia (PROP). Also called: GLYCINEMIA, KETOTIC; HYPERGLYCINEMIA WITH KETOACIDOSIS AND LEUKOPENIA; KETOTIC HYPERGLYCINEMIA. Identifiers: Orphanet 35, MedGen C0268579, MONDO:0011628, OMIM 606054, HP:0003571.

Submission:

Labcorp Genetics (formerly Invitae), Labcorp
Classification: Pathogenic for Propionic acidemia. Last evaluated: 2022-12-23. Review status: criteria provided, single submitter. Criteria: Invitae Variant Classification Sherloc (09022015). Collection method: clinical testing. Allele origin: unknown.
Comment: For these reasons, this variant has been classified as Pathogenic. This variant disrupts a region of the PCCA protein in which other variant(s) (p.Arg230Cys) have been determined to be pathogenic (PMID: 30274917; Invitae). This suggests that this is a clinically significant region of the protein, and that variants that disrupt it are likely to be disease-causing. This variant has not been reported in the literature in individuals affected with PCCA-related conditions. This variant is a gross deletion of the genomic region encompassing exon(s) 8-19 of the PCCA gene. This variant would be expected to be in-frame, preserving the integrity of the reading frame.

Literature cited by the submitters: PubMed 30274917.

NC_000013.10:g.(?_100888076)_(101020848_?)del

Gene: PCCA (propionyl-CoA carboxylase subunit alpha; plus strand). Cytogenetic location: 13q32.3.
Variant type: Deletion.
Identifiers: ClinVar variation 3244153 (VCV003244153.1).